The following is an entry in ClinVar:

ClinVar aggregate classification (germline): Pathogenic/Likely pathogenic. Review status: criteria provided, multiple submitters, no conflicts (2 of 4 stars). 7 submissions from 6 submitters: Pathogenic (3); Likely pathogenic (1). 3 of the submissions do not count toward it. Last evaluated 2024-02-04.

Conditions:
LRAT-related disorder. Also called: LRAT-related condition.
Leber congenital amaurosis 14 (LCA14). Identifiers: MedGen C2750063, MONDO:0013231, OMIM 613341.
RETINITIS PIGMENTOSA, JUVENILE, LRAT-RELATED. Identifiers: MedGen C2750065, OMIM 613341.

Allele frequency attached by ClinVar (database versions not stated): gnomAD exomes below 0.00001; TOPMed below 0.00001.

Submissions (7):

Labcorp Genetics (formerly Invitae), Labcorp
Classification: Pathogenic. Last evaluated: 2024-02-04. Review status: criteria provided, single submitter. Criteria: Invitae Variant Classification Sherloc (09022015). Collection method: clinical testing. Allele origin: germline.
Comment: This sequence change creates a premature translational stop signal (p.Met73Aspfs*48) in the LRAT gene. It is expected to result in an absent or disrupted protein product. Loss-of-function variants in LRAT are known to be pathogenic (PMID: 22559933, 24265693). This variant is not present in population databases (gnomAD no frequency). This premature translational stop signal has been observed in individual(s) with Leber congenital amaurosis (PMID: 17011878). ClinVar contains an entry for this variant (Variation ID: 5336). For these reasons, this variant has been classified as Pathogenic.

PreventionGenetics, part of Exact Sciences
Classification: Likely pathogenic for LRAT-related condition. Last evaluated: 2023-06-27. Review status: criteria provided, single submitter. Criteria: ACMG Guidelines, 2015. Collection method: clinical testing. Allele origin: germline.
Comment: The LRAT c.217_218delAT variant is predicted to result in a frameshift and premature protein termination (p.Met74Alafs*47). This variant was reported in three individuals with autosomal recessive Leber congenital amaurosis or retinitis pigmentosa (Senechal. 2006. PubMed ID: 17011878; den Hollander. 2007. PubMed ID: 18055821). This variant has not been reported in a large population database, indicating this variant is rare. Frameshift variants in LRAT are expected to be pathogenic. This variant is interpreted as likely pathogenic.

DBGen Ocular Genomics
Classification: Pathogenic for Leber congenital amaurosis 14. Last evaluated: 2021-06-18. Review status: criteria provided, single submitter. Criteria: ACMG Guidelines, 2015. Collection method: clinical testing. Allele origin: germline. Affected: yes. Observed: 1 variant allele.

Blueprint Genetics
Classification: Pathogenic for LRAT-related disorders. Last evaluated: 2021-06-15. Review status: criteria provided, single submitter. Criteria: ACMG Guidelines, 2015. Collection method: clinical testing. Allele origin: germline. Affected: yes. Observed: 2 variant alleles.

OMIM
Classification: Pathogenic for LEBER CONGENITAL AMAUROSIS 14. Last evaluated: 2007-12-01. Review status: no assertion criteria provided. Collection method: literature only. Allele origin: germline. Not counted in ClinVar's aggregate classification.

OMIM
Classification: Pathogenic for RETINITIS PIGMENTOSA, JUVENILE, LRAT-RELATED. Last evaluated: 2007-12-01. Review status: no assertion criteria provided. Collection method: literature only. Allele origin: germline. Not counted in ClinVar's aggregate classification.

Laboratory of Genetics in Ophthalmology, Institut Imagine
Classification: Pathogenic for Leber congenital amaurosis 14. Review status: no assertion criteria provided. Collection method: research. Allele origin: inherited. Affected: yes. Observed: 1 variant allele. Not counted in ClinVar's aggregate classification.

Literature cited by the submitters: PubMed 22559933 (cited by Labcorp Genetics (formerly Invitae), Labcorp); PubMed 24265693 (cited by Labcorp Genetics (formerly Invitae), Labcorp); PubMed 17011878 (cited by 3 submitters); PubMed 18055821 (cited by OMIM).

NM_004744.5(LRAT):c.217_218del (p.Met73fs)

Gene: LRAT (lecithin retinol acyltransferase; plus strand). Cytogenetic location: 4q32.1.
Variant type: Deletion.
Coding change: c.217_218del on transcript NM_004744.5 (MANE Select); coding-DNA positions 217 to 218, 2 bases deleted (AT; older notation c.217_218delAT).
Protein change: p.Met73fs; shifts the reading frame from methionine 73.
Molecular consequence: frameshift variant.
Genome position (GRCh38, 1-based): chr4:154,744,543-154,744,544, AT deleted. VCF-style (leftmost placement, unchanged base first): chr4-154744542-CAT-C. GRCh37 (hg19) VCF-style: chr4-155665694-CAT-C.
Other names: c.217_218del, p.Met73fs (NM_001301645.2); short protein forms M73fs.
Identifiers: ClinVar variation 5336 (VCV000005336.15), dbSNP rs1560870755, ClinGen allele CA442020267.